The following is an entry in ClinVar:

NM_018139.3(DNAAF2):c.2191G>C (p.Glu731Gln)

Gene: DNAAF2 (dynein axonemal assembly factor 2; minus strand). Cytogenetic location: 14q21.3.
Variant type: single nucleotide variant.
Coding change: c.2191G>C on transcript NM_018139.3 (MANE Select); coding-DNA position 2191, G replaced by C.
Protein change: p.Glu731Gln; replaces glutamic acid 731 with glutamine.
Molecular consequence: missense variant. On other transcripts: 5 prime UTR variant (1).
Genome position (GRCh38, 1-based): chr14:49,625,865, C>G on the plus strand (G>C on the coding strand, the complement: DNAAF2 is on the minus strand). VCF-style: chr14-49625865-C-G. GRCh37 (hg19) VCF-style: chr14-50092583-C-G.
Other names: c.2047G>C, p.Glu683Gln (NM_001083908.2); c.-21G>C (NM_001378453.1); short protein forms E731Q, E683Q.
Identifiers: ClinVar variation 411171 (VCV000411171.7), dbSNP rs777882844, ClinGen allele CA7172742.

ClinVar aggregate classification (germline): Uncertain significance. Review status: criteria provided, multiple submitters, no conflicts (2 of 4 stars). 2 submissions from 2 submitters: Uncertain significance (2). Last evaluated 2022-08-23.

Conditions:
Primary ciliary dyskinesia. Also called: Ciliary dyskinesia. Identifiers: Orphanet 244, MedGen C0008780, MONDO:0016575, HP:0012265.

Allele frequency attached by ClinVar (database versions not stated): ExAC 0.00001; gnomAD exomes 0.00002; gnomAD 0.00007; TOPMed 0.00011.
gnomAD v4.1: 41 of 1,612,258 alleles (0.0025%); highest among the groups gnomAD compares: African/African-American, 0.017%; no homozygotes.

Submissions (2):

Labcorp Genetics (formerly Invitae), Labcorp
Classification: Uncertain significance for Primary ciliary dyskinesia. Last evaluated: 2022-08-23. Review status: criteria provided, single submitter. Criteria: Invitae Variant Classification Sherloc (09022015). Collection method: clinical testing. Allele origin: germline.
Comment: In summary, the available evidence is currently insufficient to determine the role of this variant in disease. Therefore, it has been classified as a Variant of Uncertain Significance. Algorithms developed to predict the effect of missense changes on protein structure and function (SIFT, PolyPhen-2, Align-GVGD) all suggest that this variant is likely to be tolerated. This sequence change replaces glutamic acid, which is acidic and polar, with glutamine, which is neutral and polar, at codon 731 of the DNAAF2 protein (p.Glu731Gln). This variant is present in population databases (rs777882844, gnomAD 0.02%). This variant has not been reported in the literature in individuals affected with DNAAF2-related conditions. ClinVar contains an entry for this variant (Variation ID: 411171).

Ambry Genetics
Classification: Uncertain significance for Primary ciliary dyskinesia. Last evaluated: 2021-09-26. Review status: criteria provided, single submitter. Criteria: Ambry Variant Classification Scheme 2023. Collection method: clinical testing. Allele origin: germline.
Comment: The p.E731Q variant (also known as c.2191G>C), located in coding exon 3 of the DNAAF2 gene, results from a G to C substitution at nucleotide position 2191. The glutamic acid at codon 731 is replaced by glutamine, an amino acid with highly similar properties. This amino acid position is conserved. In addition, this alteration is predicted to be tolerated by in silico analysis. Since supporting evidence is limited at this time, the clinical significance of this alteration remains unclear.